The following is an entry in ClinVar:

ClinVar aggregate classification (germline): Uncertain significance (1 of 4 stars; one submission).

Conditions:
Hereditary cancer-predisposing syndrome. Also called: Neoplastic Syndromes, Hereditary; Tumor predisposition; Hereditary neoplastic syndrome; Hereditary Cancer Syndrome. Identifiers: Orphanet 140162, MedGen C0027672, MeSH D009386, MONDO:0015356.

Submission:

Ambry Genetics
Classification: Uncertain significance for Hereditary cancer-predisposing syndrome. Last evaluated: 2026-08-24. Review status: criteria provided, single submitter. Criteria: Ambry Variant Classification Scheme 2023. Collection method: clinical testing. Allele origin: germline.
Comment: The p.F177L variant (also known as c.529T>C), located in coding exon 3 of the TMEM127 gene, results from a T to C substitution at nucleotide position 529. The phenylalanine at codon 177 is replaced by leucine, an amino acid with highly similar properties. This amino acid position is conserved. In addition, this alteration is predicted to be deleterious by in silico analysis. Based on the available evidence, the clinical significance of this variant remains unclear.

NM_017849.4(TMEM127):c.529T>C (p.Phe177Leu)

Gene: TMEM127 (transmembrane protein 127; minus strand). Cytogenetic location: 2q11.2.
Variant type: single nucleotide variant.
Coding change: c.529T>C on transcript NM_017849.4 (MANE Select); coding-DNA position 529, T replaced by C.
Protein change: p.Phe177Leu; replaces phenylalanine 177 with leucine.
Molecular consequence: missense variant.
Genome position (GRCh38, 1-based): chr2:96,253,996, A>G on the plus strand (T>C on the coding strand, the complement: TMEM127 is on the minus strand). VCF-style: chr2-96253996-A-G. GRCh37 (hg19) VCF-style: chr2-96919734-A-G.
Other names: c.529T>C, p.Phe177Leu (NM_001193304.3); c.277T>C, p.Phe93Leu (NM_001407282.1, NM_001407283.1); short protein forms F177L, F93L.
Identifiers: ClinVar variation 5030891 (VCV005030891.1).